The following is an entry in ClinVar:

NM_002645.4(PIK3C2A):c.1246A>G (p.Asn416Asp)

Gene: PIK3C2A (phosphatidylinositol-4-phosphate 3-kinase catalytic subunit type 2 alpha; minus strand). Cytogenetic location: 11p15.1.
Variant type: single nucleotide variant.
Coding change: c.1246A>G on transcript NM_002645.4 (MANE Select); coding-DNA position 1246, A replaced by G.
Protein change: p.Asn416Asp; replaces asparagine 416 with aspartic acid.
Molecular consequence: missense variant.
Genome position (GRCh38, 1-based): chr11:17,150,579, T>C on the plus strand (A>G on the coding strand, the complement: PIK3C2A is on the minus strand). VCF-style: chr11-17150579-T-C. GRCh37 (hg19) VCF-style: chr11-17172126-T-C.
Other names: c.1246A>G, p.Asn416Asp (NM_001321378.2, NM_001386870.1); c.106A>G, p.Asn36Asp (NM_001321380.2); short protein forms N416D, N36D.
Identifiers: ClinVar variation 2082079 (VCV002082079.1), dbSNP rs372981264, ClinGen allele CA5901408.

ClinVar aggregate classification (germline): Uncertain significance (1 of 4 stars; one submission).

Allele frequency attached by ClinVar (database versions not stated): gnomAD exomes 0.00002; ESP Exome Variant Server 0.00008; ExAC 0.00009; TOPMed 0.00039; gnomAD 0.00043; 1000 Genomes Project 30x 0.00047; 1000 Genomes Project 0.00060.

Submission:

Labcorp Genetics (formerly Invitae), Labcorp
Classification: Uncertain significance. Last evaluated: 2022-08-20. Review status: criteria provided, single submitter. Criteria: Invitae Variant Classification Sherloc (09022015). Collection method: clinical testing. Allele origin: germline.
Comment: This sequence change replaces asparagine, which is neutral and polar, with aspartic acid, which is acidic and polar, at codon 416 of the PIK3C2A protein (p.Asn416Asp). This variant is present in population databases (rs372981264, gnomAD 0.1%). This variant has not been reported in the literature in individuals affected with PIK3C2A-related conditions. Experimental studies and prediction algorithms are not available or were not evaluated, and the functional significance of this variant is currently unknown. In summary, the available evidence is currently insufficient to determine the role of this variant in disease. Therefore, it has been classified as a Variant of Uncertain Significance.